The following is an entry in ClinVar:

ClinVar aggregate classification (germline): Uncertain significance (1 of 4 stars; one submission).

Conditions:
Inborn genetic diseases. Identifiers: MedGen C0950123, MeSH D030342.

Submission:

Ambry Genetics
Classification: Uncertain significance for Inborn genetic diseases. Last evaluated: 2026-06-26. Review status: criteria provided, single submitter. Criteria: Ambry Variant Classification Scheme 2023. Collection method: clinical testing. Allele origin: germline.
Comment: The p.S346C variant (also known as c.1037C>G), located in coding exon 6 of the G6PC3 gene, results from a C to G substitution at nucleotide position 1037. The serine at codon 346 is replaced by cysteine, an amino acid with dissimilar properties. This amino acid position is conserved. In addition, this alteration is predicted to be tolerated by in silico analysis. Based on the available evidence, the clinical significance of this variant remains unclear.

NM_138387.4(G6PC3):c.1037C>G (p.Ser346Cys)

Gene: G6PC3 (glucose-6-phosphatase catalytic subunit 3; plus strand). Cytogenetic location: 17q21.31.
Variant type: single nucleotide variant.
Coding change: c.1037C>G on transcript NM_138387.4 (MANE Select); coding-DNA position 1037, C replaced by G.
Protein change: p.Ser346Cys; replaces serine 346 with cysteine.
Molecular consequence: missense variant. On other transcripts: 3 prime UTR variant (1).
Genome position (GRCh38, 1-based): chr17:44,076,039, C>G. VCF-style: chr17-44076039-C-G. GRCh37 (hg19) VCF-style: chr17-42153407-C-G.
Other names: c.*330C>G (NM_001319945.2); c.692C>G, p.Ser231Cys (NM_001384165.1, NM_001384166.1, NM_001384167.1 and 1 more transcripts); short protein forms S346C, S231C.
Identifiers: ClinVar variation 5022085 (VCV005022085.1).